The following is an entry in ClinVar:

ClinVar aggregate classification (germline): Uncertain significance (1 of 4 stars; one submission).

Submission:

GeneDx
Classification: Uncertain significance. Last evaluated: 2025-05-18. Review status: criteria provided, single submitter. Criteria: GeneDx Variant Classification Process June 2021. Collection method: clinical testing. Allele origin: germline. Affected: yes.
Comment: Not observed at significant frequency in large population cohorts (gnomAD); In silico analysis suggests that this missense variant does not alter protein structure/function; Has not been previously published as pathogenic or benign to our knowledge

NM_018896.5(CACNA1G):c.6211C>A (p.Leu2071Ile)

Gene: CACNA1G (calcium voltage-gated channel subunit alpha1 G; plus strand). Cytogenetic location: 17q21.33.
Variant type: single nucleotide variant.
Coding change: c.6211C>A on transcript NM_018896.5 (MANE Select); coding-DNA position 6211, C replaced by A.
Protein change: p.Leu2071Ile; replaces leucine 2071 with isoleucine.
Molecular consequence: missense variant. On other transcripts: non-coding transcript variant (5).
Genome position (GRCh38, 1-based): chr17:50,624,057, C>A. VCF-style: chr17-50624057-C-A. GRCh37 (hg19) VCF-style: chr17-48701418-C-A.
Other names: c.6022C>A, p.Leu2008Ile (NM_001256324.2); c.5953C>A, p.Leu1985Ile (NM_001256325.2); c.5941C>A, p.Leu1981Ile (NM_001256326.2); c.5911C>A, p.Leu1971Ile (NM_001256327.2); c.5857C>A, p.Leu1953Ile (NM_001256328.2); c.5830C>A, p.Leu1944Ile (NM_001256329.2, NM_198387.3, NM_198376.3); c.5797C>A, p.Leu1933Ile (NM_001256330.2); c.5776C>A, p.Leu1926Ile (NM_001256331.2); and 15 more; short protein forms L1921I, L1926I, L1933I, L1937I, L1940I, L1942I, L1944I, L1951I.
Identifiers: ClinVar variation 4531027 (VCV004531027.1).